The following is an entry in ClinVar:

ClinVar aggregate classification (germline): Uncertain significance (1 of 4 stars; one submission).

Conditions:
Cardiovascular phenotype. Identifiers: MedGen CN230736.
Hereditary cancer-predisposing syndrome. Also called: Neoplastic Syndromes, Hereditary; Tumor predisposition; Hereditary Cancer Syndrome; Hereditary neoplastic syndrome. Identifiers: Orphanet 140162, MedGen C0027672, MeSH D009386, MONDO:0015356.

Submission:

Ambry Genetics
Classification: Uncertain significance for Cardiovascular phenotype; Hereditary cancer-predisposing syndrome. Last evaluated: 2025-10-05. Review status: criteria provided, single submitter. Criteria: Ambry Variant Classification Scheme 2023. Collection method: clinical testing. Allele origin: germline.
Comment: The p.M1342R variant (also known as c.4025T>G), located in coding exon 30 of the NF1 gene, results from a T to G substitution at nucleotide position 4025. The methionine at codon 1342 is replaced by arginine, an amino acid with similar properties. This amino acid position is conserved. In addition, this alteration is predicted to be deleterious by in silico analysis. Based on the available evidence, the clinical significance of this variant remains unclear.

NM_001042492.3(NF1):c.4025T>G (p.Met1342Arg)

Gene: NF1 (neurofibromin 1; plus strand). Cytogenetic location: 17q11.2.
Variant type: single nucleotide variant.
Coding change: c.4025T>G on transcript NM_001042492.3 (MANE Select); coding-DNA position 4025, T replaced by G.
Protein change: p.Met1342Arg; replaces methionine 1342 with arginine.
Molecular consequence: missense variant.
Genome position (GRCh38, 1-based): chr17:31,249,034, T>G. VCF-style: chr17-31249034-T-G. GRCh37 (hg19) VCF-style: chr17-29576052-T-G.
Other names: c.4025T>G, p.Met1342Arg (NM_000267.4); short protein forms M1342R.
Identifiers: ClinVar variation 4615744 (VCV004615744.1).